The following is an entry in ClinVar:

ClinVar aggregate classification (germline): Uncertain significance. Review status: criteria provided, multiple submitters, no conflicts (2 of 4 stars). 5 submissions from 5 submitters: Uncertain significance (5). Last evaluated 2025-12-17.

Conditions:
Inborn genetic diseases. Identifiers: MedGen C0950123, MeSH D030342.
Hermansky-Pudlak syndrome 8 (HPS8). Identifiers: Orphanet 79430, MedGen C3888026, MONDO:0013560, OMIM 614077.

Allele frequency attached by ClinVar (database versions not stated): gnomAD exomes 0.00012 and 0.00014; ExAC 0.00013; gnomAD 0.00013 and 0.00014; TOPMed 0.00013; 1000 Genomes Project 30x 0.00016.
gnomAD v4.1: 198 of 1,464,384 alleles (0.014%); highest among the groups gnomAD compares: Non-Finnish European, 0.017%; no homozygotes.

Submissions (5):

Women's Health and Genetics/Laboratory Corporation of America, LabCorp
Classification: Uncertain significance. Last evaluated: 2025-12-17. Review status: criteria provided, single submitter. Criteria: LabCorp Variant Classification Summary - May 2015. Collection method: clinical testing. Allele origin: germline.
Comment: Variant summary: BLOC1S3 c.449A>G (p.Gln150Arg) results in a conservative amino acid change in the encoded protein sequence. Algorithms developed to predict the effect of missense changes on protein structure and function are either unavailable or do not agree on the potential impact of this missense change. The variant allele was found at a frequency of 0.00012 in 64906 control chromosomes. The available data on variant occurrences in the general population are insufficient to allow any conclusion about variant significance. To our knowledge, no occurrence of c.449A>G in individuals affected with BLOC1S3-related conditions and no experimental evidence demonstrating its impact on protein function have been reported. ClinVar contains an entry for this variant (Variation ID: 1432959). Based on the evidence outlined above, the variant was classified as uncertain significance.

Ambry Genetics
Classification: Uncertain significance for Inborn genetic diseases. Last evaluated: 2024-09-10. Review status: criteria provided, single submitter. Criteria: Ambry Variant Classification Scheme 2023. Collection method: clinical testing. Allele origin: germline.

Blueprint Genetics
Classification: Uncertain significance. Last evaluated: 2023-11-23. Review status: criteria provided, single submitter. Criteria: ACMG Guidelines, 2015. Collection method: clinical testing. Allele origin: germline.

Labcorp Genetics (formerly Invitae), Labcorp
Classification: Uncertain significance. Last evaluated: 2022-06-28. Review status: criteria provided, single submitter. Criteria: Invitae Variant Classification Sherloc (09022015). Collection method: clinical testing. Allele origin: germline.
Comment: This sequence change replaces glutamine, which is neutral and polar, with arginine, which is basic and polar, at codon 150 of the BLOC1S3 protein (p.Gln150Arg). This variant is present in population databases (no rsID available, gnomAD 0.02%). This variant has not been reported in the literature in individuals affected with BLOC1S3-related conditions. Algorithms developed to predict the effect of missense changes on protein structure and function are either unavailable or do not agree on the potential impact of this missense change (SIFT: "Deleterious"; PolyPhen-2: "Probably Damaging"; Align-GVGD: "Class C0"). In summary, the available evidence is currently insufficient to determine the role of this variant in disease. Therefore, it has been classified as a Variant of Uncertain Significance.

Fulgent Genetics
Classification: Uncertain significance for Hermansky-Pudlak syndrome 8. Last evaluated: 2022-01-18. Review status: criteria provided, single submitter. Criteria: ACMG Guidelines, 2015. Collection method: clinical testing. Allele origin: unknown.

NM_212550.5(BLOC1S3):c.449A>G (p.Gln150Arg)

Gene: BLOC1S3 (biogenesis of lysosomal organelles complex 1 subunit 3; plus strand). Cytogenetic location: 19q13.32.
Variant type: single nucleotide variant.
Coding change: c.449A>G on transcript NM_212550.5 (MANE Select); coding-DNA position 449, A replaced by G.
Protein change: p.Gln150Arg; replaces glutamine 150 with arginine.
Molecular consequence: missense variant.
Genome position (GRCh38, 1-based): chr19:45,179,745, A>G. VCF-style: chr19-45179745-A-G. GRCh37 (hg19) VCF-style: chr19-45683003-A-G.
Other names: c.449A>G (NM_212550.3); short protein forms Q150R.
Identifiers: ClinVar variation 1432959 (VCV001432959.9), dbSNP rs948696809, ClinGen allele CA9510254.